The following is an entry in ClinVar:

ClinVar aggregate classification (germline): Uncertain significance (1 of 4 stars; one submission).

gnomAD v4.1: 2 of 1,584,432 alleles (0.00013%); highest among the groups gnomAD compares: East Asian, 0.0022%; no homozygotes.

Submission:

GeneDx
Classification: Uncertain significance. Last evaluated: 2025-01-17. Review status: criteria provided, single submitter. Criteria: GeneDx Variant Classification Process June 2021. Collection method: clinical testing. Allele origin: germline. Affected: yes.
Comment: Not observed at significant frequency in large population cohorts (gnomAD); In silico analysis supports that this missense variant has a deleterious effect on protein structure/function; Has not been previously published as pathogenic or benign to our knowledge

NM_002430.3(MN1):c.2684G>A (p.Gly895Glu)

Gene: MN1 (MN1 proto-oncogene, transcriptional regulator; minus strand). Cytogenetic location: 22q12.1.
Variant type: single nucleotide variant.
Coding change: c.2684G>A on transcript NM_002430.3 (MANE Select); coding-DNA position 2684, G replaced by A.
Protein change: p.Gly895Glu; replaces glycine 895 with glutamic acid.
Molecular consequence: missense variant.
Genome position (GRCh38, 1-based): chr22:27,797,860, C>T on the plus strand (G>A on the coding strand, the complement: MN1 is on the minus strand). VCF-style: chr22-27797860-C-T. GRCh37 (hg19) VCF-style: chr22-28193848-C-T.
Other names: short protein forms G895E.
Identifiers: ClinVar variation 4070865 (VCV004070865.1).